The following is an entry in ClinVar:

NM_020919.4(ALS2):c.4403+2T>A

Gene: ALS2 (alsin Rho guanine nucleotide exchange factor ALS2; minus strand). Cytogenetic location: 2q33.1.
Variant type: single nucleotide variant.
Coding change: c.4403+2T>A on transcript NM_020919.4 (MANE Select); the canonical splice donor site of the intron after coding-DNA position 4403, T replaced by A.
Molecular consequence: splice donor variant.
Genome position (GRCh38, 1-based): chr2:201,707,867, A>T on the plus strand (T>A on the coding strand, the complement: ALS2 is on the minus strand). VCF-style: chr2-201707867-A-T. GRCh37 (hg19) VCF-style: chr2-202572590-A-T.
Other names: c.4400+2T>A (NM_001410975.1).
Identifiers: ClinVar variation 2716478 (VCV002716478.3), dbSNP rs1263013448, ClinGen allele CA350322414.
Genomic context (GRCh38, chr2:201,707,867, plus strand): 5'-TTTGAGTAAGATCATCTAGTCACCATTCCCTTTCTTCACTGTCCCCACCCAACTCCATTT[A>T]CCCTGGCTCTGGTGATTCAGATCGGGAATCTGACTTCCCAGTGCAAAAAGACTTCCTTTC-3'

ClinVar aggregate classification (germline): Likely pathogenic (1 of 4 stars; one submission).

Conditions:
Infantile-onset ascending hereditary spastic paralysis (IAHSP). Also called: Autosomal Recessive Juvenile Amyotrophic Lateral Sclerosis; Infantile-Onset Ascending Hereditary Spastic Paralysis (IAHSP). Identifiers: Orphanet 293168, MedGen C2931441, MONDO:0011797, OMIM 607225. Disease mechanism: loss of function.

Allele frequency attached by ClinVar (database versions not stated): TOPMed 0.00002.

Submission:

Labcorp Genetics (formerly Invitae), Labcorp
Classification: Likely pathogenic for Infantile-onset ascending hereditary spastic paralysis. Last evaluated: 2023-10-18. Review status: criteria provided, single submitter. Criteria: Invitae Variant Classification Sherloc (09022015). Collection method: clinical testing. Allele origin: germline.
Comment: This sequence change affects a donor splice site in intron 28 of the ALS2 gene. It is expected to disrupt RNA splicing. Variants that disrupt the donor or acceptor splice site typically lead to a loss of protein function (PMID: 16199547), and loss-of-function variants in ALS2 are known to be pathogenic (PMID: 11586298, 24315819). This variant is not present in population databases (gnomAD no frequency). This variant has not been reported in the literature in individuals affected with ALS2-related conditions. Algorithms developed to predict the effect of sequence changes on RNA splicing suggest that this variant may disrupt the consensus splice site. In summary, the currently available evidence indicates that the variant is pathogenic, but additional data are needed to prove that conclusively. Therefore, this variant has been classified as Likely Pathogenic.

Literature cited by the submitters: PubMed 16199547; PubMed 11586298; PubMed 24315819.